The following is an entry in ClinVar:

NM_002227.4(JAK1):c.7-3C>G

Gene: JAK1 (Janus kinase 1; minus strand). Cytogenetic location: 1p31.3.
Variant type: single nucleotide variant.
Coding change: c.7-3C>G on transcript NM_002227.4 (MANE Select); 3 bases into the intron before coding-DNA position 7, C replaced by G.
Molecular consequence: intron variant.
Genome position (GRCh38, 1-based): chr1:64,883,478, G>C on the plus strand (C>G on the coding strand, the complement: JAK1 is on the minus strand). VCF-style: chr1-64883478-G-C. GRCh37 (hg19) VCF-style: chr1-65349161-G-C.
Other names: c.7-3C>G (NM_001321852.2, NM_001321854.2, NM_001321853.2 and 4 more transcripts).
Identifiers: ClinVar variation 3727588 (VCV003727588.2).

ClinVar aggregate classification (germline): Uncertain significance (1 of 4 stars; one submission).

Submission:

Labcorp Genetics (formerly Invitae), Labcorp
Classification: Uncertain significance. Last evaluated: 2024-12-18. Review status: criteria provided, single submitter. Criteria: Invitae Variant Classification Sherloc (09022015). Collection method: clinical testing. Allele origin: germline.
Comment: This sequence change falls in intron 2 of the JAK1 gene. It does not directly change the encoded amino acid sequence of the JAK1 protein. It affects a nucleotide within the consensus splice site. This variant is not present in population databases (gnomAD no frequency). This variant has not been reported in the literature in individuals affected with JAK1-related conditions. Variants that disrupt the consensus splice site are a relatively common cause of aberrant splicing (PMID: 17576681, 9536098). Algorithms developed to predict the effect of sequence changes on RNA splicing suggest that this variant may disrupt the consensus splice site. In summary, the available evidence is currently insufficient to determine the role of this variant in disease. Therefore, it has been classified as a Variant of Uncertain Significance.

Literature cited by the submitters: PubMed 17576681; PubMed 9536098.